The following is an entry in ClinVar:

ClinVar aggregate classification (germline): Likely pathogenic. Review status: criteria provided, multiple submitters, no conflicts (2 of 4 stars). 3 submissions from 3 submitters: Likely pathogenic (3). Last evaluated 2025-04-12.

Conditions:
MANBA-related disorder. Also called: MANBA-related condition.
Beta-D-mannosidosis (MANSB). Also called: MANNOSIDOSIS, BETA A, LYSOSOMAL; BETA-MANNOSIDASE DEFICIENCY; LYSOSOMAL BETA-MANNOSIDASE DEFICIENCY; Beta-Mannosidosis. Identifiers: Orphanet 118, MedGen C4048196, MONDO:0009562, OMIM 248510.

Allele frequency attached by ClinVar (database versions not stated): gnomAD exomes 0.00001; ExAC 0.00002; gnomAD 0.00002 and 0.00003; TOPMed 0.00002; ESP Exome Variant Server 0.00015.
gnomAD v4.1: 34 of 1,537,174 alleles (0.0022%); highest among the groups gnomAD compares: Non-Finnish European, 0.003%; no homozygotes.

Submissions (3):

PreventionGenetics, part of Exact Sciences
Classification: Likely pathogenic for MANBA-related condition. Last evaluated: 2025-04-12. Review status: criteria provided, single submitter. Criteria: ACMG Guidelines, 2015. Collection method: clinical testing. Allele origin: germline.
Comment: The MANBA c.378+1G>A variant is predicted to disrupt the GT donor site and interfere with normal splicing. To our knowledge, this variant has not been reported in the literature. This variant is reported in 0.0041% of alleles in individuals of African descent in gnomAD. Variants that disrupt the consensus splice donor site in MANBA are expected to be pathogenic. This variant is interpreted as likely pathogenic.

Labcorp Genetics (formerly Invitae), Labcorp
Classification: Likely pathogenic for Beta-D-mannosidosis. Last evaluated: 2025-04-08. Review status: criteria provided, single submitter. Criteria: Invitae Variant Classification Sherloc (09022015). Collection method: clinical testing. Allele origin: germline.
Comment: This sequence change affects a donor splice site in intron 3 of the MANBA gene. It is expected to disrupt RNA splicing. Variants that disrupt the donor or acceptor splice site typically lead to a loss of protein function (PMID: 16199547), and loss-of-function variants in MANBA are known to be pathogenic (PMID: 9384606, 12468273). This variant is present in population databases (rs142029636, gnomAD 0.004%). This variant has not been reported in the literature in individuals affected with MANBA-related conditions. ClinVar contains an entry for this variant (Variation ID: 585124). Algorithms developed to predict the effect of sequence changes on RNA splicing suggest that this variant may disrupt the consensus splice site. In summary, the currently available evidence indicates that the variant is pathogenic, but additional data are needed to prove that conclusively. Therefore, this variant has been classified as Likely Pathogenic.

Women's Health and Genetics/Laboratory Corporation of America, LabCorp
Classification: Likely pathogenic for Beta-D-mannosidosis. Last evaluated: 2022-08-04. Review status: criteria provided, single submitter. Criteria: LabCorp Variant Classification Summary - May 2015. Collection method: clinical testing. Allele origin: germline.
Comment: Variant summary: MANBA c.378+1G>A is located in a canonical splice-site and is predicted to affect mRNA splicing resulting in a significantly altered protein due to either exon skipping, shortening, or inclusion of intronic material. Several computational tools predict a significant impact on normal splicing: Three predict the variant abolishes a 5' splicing donor site. However, these predictions have yet to be confirmed by functional studies. The variant allele was found at a frequency of 1.2e-05 in 247646 control chromosomes. To our knowledge, no occurrence of c.378+1G>A in individuals affected with Beta-Mannosidosis and no experimental evidence demonstrating its impact on protein function have been reported. Two clinical diagnostic laboratories have submitted clinical-significance assessments for this variant to ClinVar after 2014 without evidence for independent evaluation. One laboratory classified the variant as likely pathogenic, and one laboratory classified the variant as uncertain significance. Based on the evidence outlined above, the variant was classified as likely pathogenic.

Literature cited by the submitters: PubMed 16199547 (cited by Labcorp Genetics (formerly Invitae), Labcorp); PubMed 9384606 (cited by Labcorp Genetics (formerly Invitae), Labcorp); PubMed 12468273 (cited by Labcorp Genetics (formerly Invitae), Labcorp).

NM_005908.4(MANBA):c.378+1G>A

Gene: MANBA (mannosidase beta; minus strand). Cytogenetic location: 4q24.
Variant type: single nucleotide variant.
Coding change: c.378+1G>A on transcript NM_005908.4 (MANE Select); the canonical splice donor site of the intron after coding-DNA position 378, G replaced by A.
Molecular consequence: splice donor variant.
Genome position (GRCh38, 1-based): chr4:102,723,861, C>T on the plus strand (G>A on the coding strand, the complement: MANBA is on the minus strand). VCF-style: chr4-102723861-C-T. GRCh37 (hg19) VCF-style: chr4-103645018-C-T.
Identifiers: ClinVar variation 585124 (VCV000585124.14), dbSNP rs142029636, ClinGen allele CA3027255.